The following is an entry in ClinVar:

ClinVar aggregate classification (germline): Pathogenic (1 of 4 stars; one submission).

Conditions:
MHC class I deficiency. Identifiers: Orphanet 34592, MedGen C6024714, MONDO:0011476.

Submission:

Labcorp Genetics (formerly Invitae), Labcorp
Classification: Pathogenic for MHC class I deficiency 1. Last evaluated: 2025-08-09. Review status: criteria provided, single submitter. Criteria: Invitae Variant Classification Sherloc (09022015). Collection method: clinical testing. Allele origin: germline.
Comment: This sequence change creates a premature translational stop signal (p.Thr76Serfs*3) in the TAP2 gene. It is expected to result in an absent or disrupted protein product. Loss-of-function variants in TAP2 are known to be pathogenic (PMID: 7517574, 11529920, 12067308, 23662797). This variant is not present in population databases (gnomAD no frequency). This variant has not been reported in the literature in individuals affected with TAP2-related conditions. For these reasons, this variant has been classified as Pathogenic.

Literature cited by the submitters: PubMed 7517574; PubMed 11529920; PubMed 12067308; PubMed 23662797.

NM_001290043.2(TAP2):c.226_229del (p.Thr76fs)

Gene: TAP2 (transporter 2, ATP binding cassette subfamily B member; minus strand). Cytogenetic location: 6p21.32.
Variant type: Deletion.
Coding change: c.226_229del on transcript NM_001290043.2 (MANE Select); coding-DNA positions 226 to 229, 4 bases deleted (ACTG; older notation c.226_229delACTG).
Protein change: p.Thr76fs; shifts the reading frame from threonine 76.
Molecular consequence: frameshift variant.
Genome position (GRCh38, 1-based): chr6:32,838,005-32,838,008, CAGT deleted on the plus strand (ACTG on the coding strand, the reverse complement: TAP2 is on the minus strand); deleting any 4 consecutive bases within chr6:32,838,005-32,838,011 gives the same sequence; the c. name uses the placement nearest the transcript's 3' end. VCF-style (leftmost placement, unchanged base first): chr6-32838004-ACAGT-A. GRCh37 (hg19) VCF-style: chr6-32805781-ACAGT-A.
Other names: c.226_229del, p.Thr76fs (NM_018833.3); short protein forms T76fs.
Identifiers: ClinVar variation 4740154 (VCV004740154.1).